The following is an entry in ClinVar:

ClinVar aggregate classification (germline): Uncertain significance. Review status: criteria provided, multiple submitters, no conflicts (2 of 4 stars). 2 submissions from 2 submitters: Uncertain significance (2). Last evaluated 2025-08-11.

Conditions:
Hereditary cancer-predisposing syndrome. Also called: Hereditary neoplastic syndrome; Hereditary Cancer Syndrome; Neoplastic Syndromes, Hereditary; Tumor predisposition. Identifiers: Orphanet 140162, MedGen C0027672, MeSH D009386, MONDO:0015356.

Submissions (2):

Ambry Genetics
Classification: Uncertain significance for Hereditary cancer-predisposing syndrome. Last evaluated: 2025-08-11. Review status: criteria provided, single submitter. Criteria: Ambry Variant Classification Scheme 2023. Collection method: clinical testing. Allele origin: germline.
Comment: The p.Y453H variant (also known as c.1357T>C), located in coding exon 14 of the MUTYH gene, results from a T to C substitution at nucleotide position 1357. The tyrosine at codon 453 is replaced by histidine, an amino acid with similar properties. This amino acid position is highly conserved in available vertebrate species. In addition, this alteration is predicted to be deleterious by in silico analysis. Based on the available evidence, the clinical significance of this variant remains unclear.

Color Diagnostics, LLC DBA Color Health
Classification: Uncertain significance for Hereditary cancer-predisposing syndrome. Last evaluated: 2025-06-09. Review status: criteria provided, single submitter. Criteria: ACMG Guidelines, 2015. Collection method: clinical testing. Allele origin: germline.
Comment: This missense variant replaces tyrosine with histidine at codon 453 of the MUTYH protein. Computational prediction suggests that this variant may have deleterious impact on protein structure and function. To our knowledge, functional studies have not been reported for this variant. This variant has not been reported in individuals affected with MUTYH-related disorders in the literature. This variant has not been identified in the general population by the Genome Aggregation Database (gnomAD). The available evidence is insufficient to determine the role of this variant in disease conclusively. Therefore, this variant is classified as a Variant of Uncertain Significance.

NM_001048174.2(MUTYH):c.1273T>C (p.Tyr425His)

Gene: MUTYH (mutY DNA glycosylase; minus strand). Cytogenetic location: 1p34.1.
Variant type: single nucleotide variant.
Coding change: c.1273T>C on transcript NM_001048174.2 (MANE Select); coding-DNA position 1273, T replaced by C.
Protein change: p.Tyr425His; replaces tyrosine 425 with histidine.
Molecular consequence: missense variant. On other transcripts: non-coding transcript variant (7).
Genome position (GRCh38, 1-based): chr1:45,331,301, A>G on the plus strand (T>C on the coding strand, the complement: MUTYH is on the minus strand). VCF-style: chr1-45331301-A-G. GRCh37 (hg19) VCF-style: chr1-45796973-A-G.
Other names: c.1273T>C, p.Tyr425His (NM_001048171.2, NM_001048173.2, NM_001293195.2 and 6 more transcripts); c.1276T>C, p.Tyr426His (NM_001048172.2, NM_001407071.1, NM_001407078.1 and 1 more transcripts); c.1357T>C, p.Tyr453His (NM_001128425.2); c.1318T>C, p.Tyr440His (NM_001293190.2); c.1306T>C, p.Tyr436His (NM_001293191.2, NM_001407069.1, NM_001407077.1); c.997T>C, p.Tyr333His (NM_001293192.2, NM_001293196.2, NM_001407091.1); c.928T>C, p.Tyr310His (NM_001350650.2, NM_001350651.2, NM_001407082.1); c.1189T>C, p.Tyr397His (NM_001407075.1); and 5 more; short protein forms Y426H, Y450H, Y397H, Y411H, Y425H, Y440H, Y310H, Y412H.
Identifiers: ClinVar variation 2567645 (VCV002567645.4), dbSNP rs2523922859, ClinGen allele CA340132742.